The following is an entry in ClinVar:

ClinVar aggregate classification (germline): Uncertain significance. Review status: criteria provided, multiple submitters, no conflicts (2 of 4 stars). 2 submissions from 2 submitters: Uncertain significance (2). Last evaluated 2024-11-25.

Conditions:
Retinitis pigmentosa 39 (RP39). Identifiers: Orphanet 791, MedGen C3151138, MONDO:0013436, OMIM 613809.

gnomAD v4.1: 3 of 1,614,132 alleles (0.00019%); no homozygotes.

Submissions (2):

3billion
Classification: Uncertain significance for Retinitis pigmentosa 39. Last evaluated: 2024-11-25. Review status: criteria provided, single submitter. Criteria: ACMG Guidelines, 2015. Collection method: clinical testing. Allele origin: germline. Affected: yes.
Comment: The variant is observed at an extremely low frequency in the gnomAD v4.1.0 dataset (total allele frequency: <0.001%). Predicted Consequence/Location: Missense variant. The majority of the known disease-causing variants of this gene are variants expected to result in premature termination of the protein. In silico tool predictions suggest damaging effect of the variant on gene or gene product [REVEL: 0.88 (>=0.6, sensitivity 0.68 and specificity 0.92)]. Therefore, this variant is classified as VUS according to the recommendation of ACMG/AMP guideline.

Blueprint Genetics
Classification: Uncertain significance. Last evaluated: 2024-02-20. Review status: criteria provided, single submitter. Criteria: ACMG Guidelines, 2015. Collection method: clinical testing. Allele origin: germline.

NM_206933.4(USH2A):c.2602T>C (p.Cys868Arg)

Genes: USH2A (usherin; minus strand), LOC122152296 (Sharpr-MPRA regulatory region 8762; plus strand). Cytogenetic location: 1q41.
Variant type: single nucleotide variant.
Coding change: c.2602T>C on transcript NM_206933.4 (MANE Select); coding-DNA position 2602, T replaced by C.
Protein change: p.Cys868Arg; replaces cysteine 868 with arginine.
Molecular consequence: missense variant.
Genome position (GRCh38, 1-based): chr1:216,246,792, A>G on the plus strand (T>C on the coding strand, the complement: USH2A is on the minus strand). VCF-style: chr1-216246792-A-G. GRCh37 (hg19) VCF-style: chr1-216420134-A-G.
Other names: c.2602T>C, p.Cys868Arg (NM_007123.6); short protein forms C868R.
Identifiers: ClinVar variation 4293709 (VCV004293709.2).
Genomic context (GRCh38, chr1:216,246,792, plus strand): 5'-TGTACCTGTGAGGCTCACACTGATTACAGCGAAGACCTGTTACCCCTAATTTGCAAGGAC[A>G]TTGTCCTGTTGATTTGTTACACAGCAGAGAGCCATTTATTGTCCCAGTCTTATCACAGTT-3'
Protein context (NP_996816.3, residues 858-878): SLLCNKSTGQ[Cys868Arg]PCKLGVTGLR